The following is an entry in ClinVar:

NM_001199397.3(NEK1):c.3335A>C (p.Asp1112Ala)

Gene: NEK1 (NIMA related kinase 1; minus strand). Cytogenetic location: 4q33.
Variant type: single nucleotide variant.
Coding change: c.3335A>C on transcript NM_001199397.3 (MANE Select); coding-DNA position 3335, A replaced by C.
Protein change: p.Asp1112Ala; replaces aspartic acid 1112 with alanine.
Molecular consequence: missense variant. On other transcripts: non-coding transcript variant (1).
Genome position (GRCh38, 1-based): chr4:169,406,635, T>G on the plus strand (A>C on the coding strand, the complement: NEK1 is on the minus strand). VCF-style: chr4-169406635-T-G. GRCh37 (hg19) VCF-style: chr4-170327786-T-G.
Other names: c.3203A>C, p.Asp1068Ala (NM_001199398.3); c.3044A>C, p.Asp1015Ala (NM_001199399.3); c.3119A>C, p.Asp1040Ala (NM_001199400.3); c.3335A>C, p.Asp1112Ala (NM_001374418.1); c.3251A>C, p.Asp1084Ala (NM_001374419.1, NM_012224.4); c.3200A>C, p.Asp1067Ala (NM_001374420.1); c.2852A>C, p.Asp951Ala (NM_001374421.1); short protein forms D1040A, D1067A, D1015A, D1112A, D1084A, D1068A, D951A.
Identifiers: ClinVar variation 2908638 (VCV002908638.2), dbSNP rs751985072, ClinGen allele CA3137174.

ClinVar aggregate classification (germline): Uncertain significance (1 of 4 stars; one submission).

Conditions:
Short-rib thoracic dysplasia 6 with or without polydactyly (SRTD6). Also called: POLYDACTYLY WITH NEONATAL CHONDRODYSTROPHY, TYPE II; SHORT RIB-POLYDACTYLY SYNDROME, TYPE IIA; Majewski Syndrome; SHORT-RIB THORACIC DYSPLASIA 6 WITH POLYDACTYLY; SHORT-RIB THORACIC DYSPLASIA 6 WITHOUT POLYDACTYLY. Identifiers: MedGen C0024507, MONDO:0009894, OMIM 263520.

Allele frequency attached by ClinVar (database versions not stated): gnomAD exomes below 0.00001; ExAC 0.00001; gnomAD 0.00002; TOPMed 0.00002.
gnomAD v4.1: 8 of 1,607,680 alleles (0.0005%); no homozygotes.

Submission:

Labcorp Genetics (formerly Invitae), Labcorp
Classification: Uncertain significance for Short-rib thoracic dysplasia 6 with or without polydactyly. Last evaluated: 2023-06-25. Review status: criteria provided, single submitter. Criteria: Invitae Variant Classification Sherloc (09022015). Collection method: clinical testing. Allele origin: germline.
Comment: This sequence change replaces aspartic acid, which is acidic and polar, with alanine, which is neutral and non-polar, at codon 1084 of the NEK1 protein (p.Asp1084Ala). In summary, the available evidence is currently insufficient to determine the role of this variant in disease. Therefore, it has been classified as a Variant of Uncertain Significance. Advanced modeling of protein sequence and biophysical properties (such as structural, functional, and spatial information, amino acid conservation, physicochemical variation, residue mobility, and thermodynamic stability) has been performed at Invitae for this missense variant, however the output from this modeling did not meet the statistical confidence thresholds required to predict the impact of this variant on NEK1 protein function. This variant has not been reported in the literature in individuals affected with NEK1-related conditions. This variant is present in population databases (rs751985072, gnomAD 0.01%).